The following is an entry in ClinVar:

NM_005592.4(MUSK):c.965G>C (p.Gly322Ala)

Gene: MUSK (muscle associated receptor tyrosine kinase; plus strand). Cytogenetic location: 9q31.3.
Variant type: single nucleotide variant.
Coding change: c.965G>C on transcript NM_005592.4 (MANE Select); coding-DNA position 965, G replaced by C.
Protein change: p.Gly322Ala; replaces glycine 322 with alanine.
Molecular consequence: missense variant. On other transcripts: 5 prime UTR variant (1), intron variant (2).
Genome position (GRCh38, 1-based): chr9:110,767,864, G>C. VCF-style: chr9-110767864-G-C. GRCh37 (hg19) VCF-style: chr9-113530144-G-C.
Other names: c.-272G>C (NM_001369398.1); c.950+5656G>C (NM_001166280.2); c.920+5656G>C (NM_001166281.2); short protein forms G322A.
Identifiers: ClinVar variation 1477654 (VCV001477654.6), dbSNP rs2131955587, ClinGen allele CA374468701.

ClinVar aggregate classification (germline): Uncertain significance (1 of 4 stars; one submission).

Conditions:
Congenital myasthenic syndrome 9. Also called: Myasthenic syndrome, congenital, 9, associated with acetylcholine receptor deficiency. Identifiers: Orphanet 590, MedGen C4225368, MONDO:0014587, OMIM 616325.
Fetal akinesia deformation sequence 1 (FADS1). Also called: Fetal akinesia sequence; Pena-Shokeir syndrome type I. Identifiers: Orphanet 994, MedGen C1276035, MONDO:0100101, OMIM 208150, HP:0001989.

Submission:

Labcorp Genetics (formerly Invitae), Labcorp
Classification: Uncertain significance for Congenital myasthenic syndrome 9; Fetal akinesia deformation sequence 1. Last evaluated: 2025-09-15. Review status: criteria provided, single submitter. Criteria: Invitae Variant Classification Sherloc (09022015). Collection method: clinical testing. Allele origin: germline.
Comment: This sequence change replaces glycine, which is neutral and non-polar, with alanine, which is neutral and non-polar, at codon 322 of the MUSK protein (p.Gly322Ala). This variant is not present in population databases (gnomAD no frequency). This variant has not been reported in the literature in individuals affected with MUSK-related conditions. ClinVar contains an entry for this variant (Variation ID: 1477654). An algorithm developed to predict the effect of missense changes on protein structure and function (PolyPhen-2) suggests that this variant is likely to be disruptive. In summary, the available evidence is currently insufficient to determine the role of this variant in disease. Therefore, it has been classified as a Variant of Uncertain Significance.